The following continues an entry in ClinVar:

NM_002878.4(RAD51D):c.620C>T (p.Ser207Leu)

ClinVar aggregate classification (germline): Pathogenic/Likely pathogenic. Pathogenic (10); Likely pathogenic (16).

Submissions 18 to 27 of 30:

Myriad Genetics, Inc.
Classification: Likely pathogenic for Breast-ovarian cancer, familial, susceptibility to, 4. Last evaluated: 2023-04-06. Review status: criteria provided, single submitter. Criteria: Myriad Autosomal Dominant, Autosomal Recessive and X-Linked Classification Criteria (2023). Collection method: clinical testing. Allele origin: unknown.
Comment: This variant is considered likely pathogenic. This variant has been reported in multiple individuals with clinical features of gene-specific disease [PMID: 28646019]. Functional studies indicate this variant impacts protein function [PMID: 28646019].

Greenwood Genetic Center Diagnostic Laboratories, Greenwood Genetic Center
Classification: Likely pathogenic for Breast-ovarian cancer, familial, susceptibility to, 4. Last evaluated: 2022-07-13. Review status: criteria provided, single submitter. Criteria: ACMG Guidelines, 2015. Collection method: clinical testing. Allele origin: germline. Affected: yes.
Comment: PS3, PM2, PP3

Institute for Clinical Genetics, University Hospital TU Dresden, University Hospital TU Dresden
Classification: Likely pathogenic. Last evaluated: 2021-11-03. Review status: criteria provided, single submitter. Criteria: ACMG Guidelines, 2015. Collection method: clinical testing. Allele origin: germline.

Sema4
Classification: Likely pathogenic for Hereditary cancer-predisposing syndrome. Last evaluated: 2021-09-16. Review status: criteria provided, single submitter. Criteria: Sema4 Curation Guidelines. Collection method: curation. Allele origin: germline.
Comment: The RAD51D c.620C>T (p.S207L) variant has been reported in heterozygosity in numerous individuals with hereditary breast and/or ovarian cancer (PMID: 33471991, 21822267, 22986143, 25186627, 26845104, 28646019). This variant has been also been reported in heterozygosity in at least one individual with bladder cancer (PMID: 31844177). In addition, this variant was identified in one family, where it was found to segregate with ovarian cancer across three meioses/individuals (PMID: 28646019). In silico tools suggest the impact of the variant on protein function is deleterious. Functional studies have shown that this variant impairs homologous recombination and disrupts the interaction between RAD51D9459 and XRCC2 in vitro (PMID: 28646019). This variant was observed in 8/282800 chromosomes in the large and broad populations by the Genome Aggregation Database (PMID: 32461654). This variant has been reported in ClinVar (Variation ID: 142102). Based on the current evidence available, this variant is interpreted as likely pathogenic.

Laboratorio de Genetica e Diagnostico Molecular, Hospital Israelita Albert Einstein
Classification: Pathogenic for Breast-ovarian cancer, familial, susceptibility to, 4. Last evaluated: 2021-07-13. Review status: criteria provided, single submitter. Criteria: ACMG Guidelines, 2015. Collection method: clinical testing. Allele origin: germline. Affected: yes.
Comment: ACMG classification criteria: PS3 supporting, PS4 strong, PP1 strong

Victorian Clinical Genetics Services, Murdoch Childrens Research Institute
Classification: Pathogenic for Breast-ovarian cancer, familial, susceptibility to, 4. Last evaluated: 2021-05-06. Review status: criteria provided, single submitter. Criteria: ACMG Guidelines, 2015. Collection method: clinical testing. Allele origin: germline. Inheritance: Autosomal dominant inheritance. Affected: no.
Comment: Based on the classification scheme VCGS_Germline_v1.3.4, this variant is classified as Pathogenic. Following criteria are met: 0102 - Loss of function is a known mechanism of disease in this gene and is associated with susceptibility to familial breast-ovarian cancer 4 (MIM#614291). (I) 0107 - This gene is associated with autosomal dominant disease. (I) 0112 - The condition associated with this gene has incomplete penetrance. This gene is described as having moderate penetrance (PMID: 26057125). (I) 0200 - Variant is predicted to result in a missense amino acid change from serine to leucine. (I) 0251 - This variant is heterozygous. (I) 0302 - Variant is present in gnomAD (v2) <0.001 for a dominant condition (8 heterozygotes, 0 homozygotes). (SP) 0309 - An alternative amino acid change at the same position has been observed in gnomAD (v2) (3 heterozygotes, 0 homozygotes). (I) 0501 - Missense variant consistently predicted to be damaging by multiple in silico tools or highly conserved with a major amino acid change. (SP) 0600 - Variant is located in the annotated Rad51 domain (PDB). (I) 0801 - This variant has strong previous evidence of pathogenicity in unrelated individuals. This variant has been reported multiple times as a VUS, likely pathogenic and pathogenic, where recent classifications are consistently in support of pathogenicity. This variant results in an increased risk of cancer development, and is enriched in patient cohorts with ovarian, endometrial, breast and urothelial cancers (ClinVar, PMID: 28646019). (SP) 1002 - This variant has moderate functional evidence supporting abnormal protein function. HEK293 cells transfected with this variant have demonstrated impaired homologous repair and interrupted RAD51D-XRCC2 interaction (PMID: 28646019). (SP) 1208 - Inheritance information for this variant is not currently available in this individual. (I) Legend: (SP) - Supporting pathogenic, (I) - Information, (SB) - Supporting benign

Women's Health and Genetics/Laboratory Corporation of America, LabCorp
Classification: Pathogenic for Hereditary breast and ovarian cancer syndrome. Last evaluated: 2020-07-02. Review status: criteria provided, single submitter. Criteria: LabCorp Variant Classification Summary - May 2015. Collection method: clinical testing. Allele origin: germline. Inheritance: Autosomal dominant inheritance.
Comment: Variant summary: RAD51D c.620C>T (p.Ser207Leu) results in a non-conservative amino acid change located in the DNA recombination and repair protein Rad51-like, C-terminal and AAA+ ATPase domain of the encoded protein sequence. Five of five in-silico tools predict a damaging effect of the variant on protein function. The variant allele was found at a frequency of 2.8e-05 in 253526 control chromosomes (gnomAD and publication). c.620C>T has been reported in the literature in multiple individuals affected with in multiple individuals affected with Breast, Endometrial, Ovarian cancer and Urothelial carcinoma (example, Loveday_2011, Wickramanayake_2012, Golmard_2013, Rivera_2017, Tung_2016, Tung_2015, Shirts_2016, Nassar_2020). In a conservative assessment of the transmission of this variant as ascertained from the literature, we captured at-least 12 transmissions of the variant allele and 2 transmissions of the reference allele to affected individuals. This variant was reported as being highly prevalent in French Canadians and as being associated with a high risk for ovarian high-grade serous carcinoma (HGSC) (3.8% cases vs. 0.2% controls), but was not associated with risk for breast, endometrial, pancreas or colorectal cancers (Rivera_2017). The authors conclude this variant as a bona fide pathogenic RAD51D missense cancer susceptibility allele and is one of the most frequently observed alleles conferring high risk of ovarian high-grade serous carcinoma (HGSC) in the French Canadian population of Quebec. These data indicate that the variant is very likely to be associated with disease. At least one publication reports experimental evidence evaluating an impact on protein function (Rivera_2017). The most pronounced variant effect results in a disruption the RAD51D-XRCC2 interaction, impaired homologous recombination and sensitivity to PARP-inhibitor therapies. Nine clinical diagnostic laboratories have submitted clinical-significance assessments for this variant to ClinVar after 2014 without evidence for independent evaluation. Multiple laboratories reported the variant with conflicting assessments (pathogenic, n=1; likely pathogenic, n=5; VUS, n=3). Some submitters cite overlapping evidence utilized in the context of this evaluation and have re-classified this variant to the pathogenic spectrum since its previous evaluation. Based on the evidence outlined above, the variant was classified as pathogenic.

Revvity Omics, Revvity
Classification: Likely pathogenic. Last evaluated: 2019-05-05. Review status: criteria provided, single submitter. Criteria: ACMG Guidelines, 2015. Collection method: clinical testing. Allele origin: germline.

Juno Genomics, Hangzhou Juno Genomics, Inc
Classification: Pathogenic for Breast-ovarian cancer, familial, susceptibility to, 4. Review status: criteria provided, single submitter. Criteria: ACMG Guidelines, 2015. Collection method: clinical testing. Allele origin: germline.
Comment: Absent from controls (or at extremely low frequency if recessive) in Genome Aggregation Database.;The prevalence of the variant in affected individuals is significantly increased compared to the prevalence in controls.;Well-established in vitro or in vivo functional studies supportive of a damaging effect on the gene or gene product.;Co-segregation with disease in multiple affected family members.

Counsyl
Classification: Likely pathogenic for Breast-ovarian cancer, familial, susceptibility to, 4. Last evaluated: 2018-05-30. Review status: no assertion criteria provided. Collection method: clinical testing. Allele origin: unknown. Not counted in ClinVar's aggregate classification.